The following is an entry in ClinVar:

NM_001347721.2(DYRK1A):c.1664CTC[1] (p.Pro556del)

Gene: DYRK1A (dual specificity tyrosine phosphorylation regulated kinase 1A; plus strand). Cytogenetic location: 21q22.13.
Variant type: Microsatellite.
Coding change: c.1664CTC[1] on transcript NM_001347721.2 (MANE Select); one copy of the 3-base unit CTC starting at c.1664; the reference has two copies in a row; one copy, 3 bases deleted.
Protein change: p.Pro556del; deletes proline 556.
Molecular consequence: inframe deletion. On other transcripts: 3 prime UTR variant (1).
Genome position (GRCh38, 1-based): chr21:37,511,933-37,511,935, CTC deleted; deleting any 3 consecutive bases within chr21:37,511,930-37,511,935 gives the same sequence; the position shown is the placement nearest the transcript's 3' end. VCF-style (leftmost placement, unchanged base first): chr21-37511929-GCTC-G. GRCh37 (hg19) VCF-style: chr21-38884232-GCTC-G.
Other names: c.1664CTC[1], p.Pro556del (NM_001347722.2, NM_130436.2); c.1577CTC[1], p.Pro527del (NM_001347723.2); c.1691CTC[1], p.Pro565del (NM_001396.5); c.*67CTC[1] (NM_101395.2); c.1566CTC[1], p.Ser524del (NM_130438.2); short protein forms P556del, S524del, P527del, P565del.
Identifiers: ClinVar variation 2886060 (VCV002886060.3), dbSNP rs921630070, ClinGen allele CA320469591.

ClinVar aggregate classification (germline): Uncertain significance (1 of 4 stars; one submission).

Conditions:
DYRK1A-related intellectual disability syndrome (MRD7). Also called: DYRK1A Syndrome; Intellectual developmental disorder, autosomal dominant 7. Identifiers: Orphanet 464306, MedGen C5568143, MONDO:0013578, OMIM 614104.

Submission:

Labcorp Genetics (formerly Invitae), Labcorp
Classification: Uncertain significance for DYRK1A-related intellectual disability syndrome. Last evaluated: 2023-04-20. Review status: criteria provided, single submitter. Criteria: Invitae Variant Classification Sherloc (09022015). Collection method: clinical testing. Allele origin: germline.
Comment: Experimental studies and prediction algorithms are not available or were not evaluated, and the functional significance of this variant is currently unknown. In summary, the available evidence is currently insufficient to determine the role of this variant in disease. Therefore, it has been classified as a Variant of Uncertain Significance. This variant has not been reported in the literature in individuals affected with DYRK1A-related conditions. This variant is not present in population databases (gnomAD no frequency). This variant, c.1694_1696del, results in the deletion of 1 amino acid(s) of the DYRK1A protein (p.Pro565del), but otherwise preserves the integrity of the reading frame.